The following is an entry in ClinVar:

NM_017813.5(BPNT2):c.-125C>T

Genes: BPNT2 (3'(2'), 5'-bisphosphate nucleotidase 2; minus strand), LOC130000433 (ATAC-STARR-seq lymphoblastoid silent region 19212; plus strand). Cytogenetic location: 8q12.1.
Variant type: single nucleotide variant.
Coding change: c.-125C>T on transcript NM_017813.5 (MANE Select); 125 bases upstream of the start codon, C replaced by T.
Molecular consequence: 5 prime UTR variant.
Genome position (GRCh38, 1-based): chr8:56,993,710, G>A on the plus strand (C>T on the coding strand, the complement: BPNT2 is on the minus strand). VCF-style: chr8-56993710-G-A. GRCh37 (hg19) VCF-style: chr8-57906269-G-A.
Identifiers: ClinVar variation 363411 (VCV000363411.8), dbSNP rs1057409, ClinGen allele CA10625662.

ClinVar aggregate classification (germline): Benign. Review status: criteria provided, multiple submitters, no conflicts (2 of 4 stars). 3 submissions from 3 submitters: Benign (3). Last evaluated 2018-11-12.

Conditions:
Chondrodysplasia with joint dislocations, gPAPP type. Also called: GPAPP DEFICIENCY. Identifiers: Orphanet 280586, MedGen C3279757, MONDO:0013561, OMIM 614078.

Allele frequency attached by ClinVar (database versions not stated): gnomAD 0.12976 and 0.12982; TOPMed 0.13730; 1000 Genomes Project 0.15815; 1000 Genomes Project 30x 0.16068.

Submissions (3):

GeneDx
Classification: Benign. Last evaluated: 2018-11-12. Review status: criteria provided, single submitter. Criteria: GeneDx Variant Classification Process June 2021. Collection method: clinical testing. Allele origin: germline. Affected: yes.

Illumina Laboratory Services, Illumina
Classification: Benign for Chondrodysplasia with joint dislocations, gPAPP type. Last evaluated: 2018-01-13. Review status: criteria provided, single submitter. Criteria: ICSL Variant Classification Criteria 13 December 2019. Collection method: clinical testing. Allele origin: germline.
Comment: This variant was observed in the ICSL laboratory as part of a predisposition screen in an ostensibly healthy population. It had not been previously curated by ICSL or reported in the Human Gene Mutation Database (HGMD: prior to June 1st, 2018), and was therefore a candidate for classification through an automated scoring system. Utilizing variant allele frequency, disease prevalence and penetrance estimates, and inheritance mode, an automated score was calculated to assess if this variant is too frequent to cause the disease. Based on the score and internal cut-off values, a variant classified as benign is not then subjected to further curation. The score for this variant resulted in a classification of benign for this disease.

Breakthrough Genomics
Classification: Benign. Review status: criteria provided, single submitter. Criteria: ACMG Guidelines, 2015. Collection method: not provided. Allele origin: germline. Inheritance: Autosomal recessive inheritance. Affected: yes.